The following is an entry in ClinVar:

NM_000038.6(APC):c.8497C>T (p.Arg2833Cys)

Gene: APC (APC regulator of Wnt signaling pathway; plus strand). Cytogenetic location: 5q22.2.
Variant type: single nucleotide variant.
Coding change: c.8497C>T on transcript NM_000038.6 (MANE Select); coding-DNA position 8497, C replaced by T.
Protein change: p.Arg2833Cys; replaces arginine 2833 with cysteine.
Molecular consequence: missense variant.
Genome position (GRCh38, 1-based): chr5:112,844,091, C>T. VCF-style: chr5-112844091-C-T. GRCh37 (hg19) VCF-style: chr5-112179788-C-T.
Other names: c.8497C>T, p.Arg2833Cys (NM_001127510.3, NM_001354895.2); c.8443C>T, p.Arg2815Cys (NM_001127511.3); c.8551C>T, p.Arg2851Cys (NM_001354896.2); c.8527C>T, p.Arg2843Cys (NM_001354897.2); c.8422C>T, p.Arg2808Cys (NM_001354898.2); c.8413C>T, p.Arg2805Cys (NM_001354899.2); c.8374C>T, p.Arg2792Cys (NM_001354900.2); c.8320C>T, p.Arg2774Cys (NM_001354901.2); and 5 more; short protein forms R2815C, R2833C, R2673C, R2805C, R2843C, R2732C, R2808C, R2851C.
Identifiers: ClinVar variation 630205 (VCV000630205.21), dbSNP rs201459013, ClinGen allele CA050924.
Genomic context (GRCh38, chr5:112,844,091, plus strand): 5'-ACAAAGAAGCGAGATTCCAAAACTGACAGCACAGAATCCAGTGGAACCCAAAGTCCTAAG[C>T]GCCATTCTGGGTCTTACCTTGTGACATCTGTTTAAAAGAGAGGAAGAATGAAACTAAGAA-3'
Protein context (NP_000029.2, residues 2823-2843): TESSGTQSPK[Arg2833Cys]HSGSYLVTSV

ClinVar aggregate classification (germline): Uncertain significance. Review status: criteria provided, multiple submitters, no conflicts (2 of 4 stars). 5 submissions from 5 submitters: Uncertain significance (5). Last evaluated 2025-11-01.

Conditions:
Classic or attenuated familial adenomatous polyposis. Identifiers: MedGen CN372698, MONDO:0021057.
Hereditary cancer-predisposing syndrome. Also called: Neoplastic Syndromes, Hereditary; Tumor predisposition; Hereditary neoplastic syndrome; Hereditary Cancer Syndrome. Identifiers: Orphanet 140162, MedGen C0027672, MeSH D009386, MONDO:0015356.
Familial adenomatous polyposis 1 (FAP1). Also called: POLYPOSIS, ADENOMATOUS INTESTINAL; FAMILIAL ADENOMATOUS POLYPOSIS 1, ATTENUATED. Identifiers: MedGen C2713442, MONDO:0021056, OMIM 175100. Disease mechanism: loss of function.

Allele frequency attached by ClinVar (database versions not stated): gnomAD exomes below 0.00001; ExAC 0.00001.
gnomAD v4.1: 3 of 1,611,660 alleles (0.00019%); highest among the groups gnomAD compares: Non-Finnish European, 0.000085%; no homozygotes.

Submissions (5):

Labcorp Genetics (formerly Invitae), Labcorp
Classification: Uncertain significance for Familial adenomatous polyposis 1. Last evaluated: 2025-11-01. Review status: criteria provided, single submitter. Criteria: Invitae Variant Classification Sherloc (09022015). Collection method: clinical testing. Allele origin: germline.
Comment: This sequence change replaces arginine, which is basic and polar, with cysteine, which is neutral and slightly polar, at codon 2833 of the APC protein (p.Arg2833Cys). This variant is present in population databases (rs201459013, gnomAD 0.0009%). This variant has not been reported in the literature in individuals affected with APC-related conditions. ClinVar contains an entry for this variant (Variation ID: 630205). Invitae Evidence Modeling of protein sequence and biophysical properties (such as structural, functional, and spatial information, amino acid conservation, physicochemical variation, residue mobility, and thermodynamic stability) indicates that this missense variant is not expected to disrupt APC protein function with a negative predictive value of 95%. In summary, the available evidence is currently insufficient to determine the role of this variant in disease. Therefore, it has been classified as a Variant of Uncertain Significance.

Ambry Genetics
Classification: Uncertain significance for Hereditary cancer-predisposing syndrome. Last evaluated: 2025-10-30. Review status: criteria provided, single submitter. Criteria: Ambry Variant Classification Scheme 2023. Collection method: clinical testing. Allele origin: germline.
Comment: The p.R2833C variant (also known as c.8497C>T), located in coding exon 15 of the APC gene, results from a C to T substitution at nucleotide position 8497. The arginine at codon 2833 is replaced by cysteine, an amino acid with highly dissimilar properties. This amino acid position is highly conserved in available vertebrate species. In addition, in silico predictors for this gene do not accurately predict pathogenicity. Since supporting evidence is limited at this time, the clinical significance of this alteration remains unclear.

Color Diagnostics, LLC DBA Color Health
Classification: Uncertain significance for Hereditary cancer-predisposing syndrome. Last evaluated: 2024-12-23. Review status: criteria provided, single submitter. Criteria: ACMG Guidelines, 2015. Collection method: clinical testing. Allele origin: germline.
Comment: This missense variant replaces arginine with cysteine at codon 2833 of the APC protein. Computational prediction is inconclusive regarding the impact of this variant on protein structure and function (internally defined REVEL score threshold 0.5 < inconclusive < 0.7, PMID: 27666373). To our knowledge, functional studies have not been reported for this variant. This variant has been reported in individuals affected with colon cancer (PMID: 30279230), and melanoma (PMID: 29684080). This variant has been identified in 3/1611660 chromosomes in the general population by the Genome Aggregation Database (gnomAD). The available evidence is insufficient to determine the role of this variant in disease conclusively. Therefore, this variant is classified as a Variant of Uncertain Significance.

GeneDx
Classification: Uncertain significance. Last evaluated: 2024-03-20. Review status: criteria provided, single submitter. Criteria: GeneDx Variant Classification Process June 2021. Collection method: clinical testing. Allele origin: germline. Affected: yes.
Comment: Not observed at significant frequency in large population cohorts (gnomAD); In silico analysis supports that this missense variant does not alter protein structure/function; Identified in an individual with melanoma (PMID: 29684080); This variant is associated with the following publications: (PMID: 18199528, 30279230, 29684080)

All of Us Research Program, National Institutes of Health
Classification: Uncertain significance for Classic or attenuated familial adenomatous polyposis. Last evaluated: 2024-02-05. Review status: criteria provided, single submitter. Criteria: ACMG Guidelines, 2015. Collection method: clinical testing. Allele origin: germline. Inheritance: Autosomal dominant inheritance. Observed: 5 variant alleles, 5 heterozygotes.
Comment: This missense variant replaces arginine with cysteine at codon 2833 of the APC protein. Computational prediction is inconclusive regarding the impact of this variant on protein structure and function (internally defined REVEL score threshold 0.5 < inconclusive < 0.7, PMID: 27666373). To our knowledge, functional studies have not been reported for this variant. This variant has been reported in individuals affected with colon cancer (PMID: 30279230), and melanoma (PMID: 29684080). This variant has been identified in 2/248236 chromosomes in the general population by the Genome Aggregation Database (gnomAD). The available evidence is insufficient to determine the role of this variant in disease conclusively. Therefore, this variant is classified as a Variant of Uncertain Significance.

This study involves interpretation of variants in research participants for the purpose of population health screening. Participant phenotype was not available at the time of variant classification. Additional details can be found in publication PMID: 35346344, PMCID: PMC8962531

Literature cited by the submitters: PubMed 29684080 (cited by Color Diagnostics, LLC DBA Color Health and All of Us Research Program, National Institutes of Health); PubMed 30279230 (cited by Color Diagnostics, LLC DBA Color Health and All of Us Research Program, National Institutes of Health).